The following is an entry in ClinVar:

ClinVar aggregate classification (germline): Uncertain significance (1 of 4 stars; one submission).

Conditions:
Hereditary cancer-predisposing syndrome. Also called: Tumor predisposition; Hereditary Cancer Syndrome; Hereditary neoplastic syndrome; Neoplastic Syndromes, Hereditary. Identifiers: Orphanet 140162, MedGen C0027672, MeSH D009386, MONDO:0015356.

Submission:

Ambry Genetics
Classification: Uncertain significance for Hereditary cancer-predisposing syndrome. Last evaluated: 2024-04-30. Review status: criteria provided, single submitter. Criteria: Ambry Variant Classification Scheme 2023. Collection method: clinical testing. Allele origin: germline.
Comment: The p.R97G variant (also known as c.289C>G), located in coding exon 3 of the MUTYH gene, results from a C to G substitution at nucleotide position 289. The arginine at codon 97 is replaced by glycine, an amino acid with dissimilar properties. This amino acid position is well conserved in available vertebrate species. In addition, this alteration is predicted to be deleterious by in silico analysis. Based on the available evidence, the clinical significance of this variant remains unclear.

NM_001048174.2(MUTYH):c.205C>G (p.Arg69Gly)

Gene: MUTYH (mutY DNA glycosylase; minus strand). Cytogenetic location: 1p34.1.
Variant type: single nucleotide variant.
Coding change: c.205C>G on transcript NM_001048174.2 (MANE Select); coding-DNA position 205, C replaced by G.
Protein change: p.Arg69Gly; replaces arginine 69 with glycine.
Molecular consequence: missense variant. On other transcripts: 5 prime UTR variant (6), non-coding transcript variant (7).
Genome position (GRCh38, 1-based): chr1:45,333,472, G>C on the plus strand (C>G on the coding strand, the complement: MUTYH is on the minus strand). VCF-style: chr1-45333472-G-C. GRCh37 (hg19) VCF-style: chr1-45799144-G-C.
Other names: c.205C>G, p.Arg69Gly (NM_001048171.2, NM_001048173.2, NM_001293195.2 and 6 more transcripts); c.208C>G, p.Arg70Gly (NM_001048172.2, NM_001407071.1, NM_001407078.1 and 2 more transcripts); c.289C>G, p.Arg97Gly (NM_001128425.2); c.250C>G, p.Arg84Gly (NM_001293190.2); c.238C>G, p.Arg80Gly (NM_001293191.2, NM_001407077.1); c.-72C>G (NM_001293192.2, NM_001293196.2, NM_001407091.1); c.-67C>G (NM_001350650.2, NM_001350651.2, NM_001407082.1); c.280C>G, p.Arg94Gly (NM_001407069.1, NM_012222.3); and 3 more; short protein forms R94G, R83G, R97G, R70G, R76G, R41G, R69G, R80G.
Identifiers: ClinVar variation 3297052 (VCV003297052.1).